The following is an entry in ClinVar:

NC_000007.13:g.(?_117242860)_(117251882_?)del

Gene: CFTR (CF transmembrane conductance regulator; plus strand). Cytogenetic location: 7q31.2.
Variant type: Deletion.
Identifiers: ClinVar variation 3245676 (VCV003245676.1).

ClinVar aggregate classification (germline): Pathogenic (1 of 4 stars; one submission).

Conditions:
Cystic fibrosis (CF). Also called: MUCOVISCIDOSIS. Identifiers: Orphanet 586, MedGen C0010674, MONDO:0009061, OMIM 219700. Disease mechanism: loss of function.

Submission:

Labcorp Genetics (formerly Invitae), Labcorp
Classification: Pathogenic for Cystic fibrosis. Last evaluated: 2022-10-17. Review status: criteria provided, single submitter. Criteria: Invitae Variant Classification Sherloc (09022015). Collection method: clinical testing. Allele origin: unknown.
Comment: For these reasons, this variant has been classified as Pathogenic. A similar copy number variant has been observed in individual(s) with cystic fibrosis (Invitae). This variant is a gross deletion of the genomic region encompassing exon(s) 16-20 of the CFTR gene. This deletion is out-of-frame, and is expected to create a premature termination codon and result in an absent or disrupted protein product. Loss-of-function variants in CFTR are known to be pathogenic (PMID: 1695717, 7691345, 9725922).

Literature cited by the submitters: PubMed 1695717; PubMed 7691345; PubMed 9725922.